The following is an entry in ClinVar:

NM_001447.3(FAT2):c.2359A>G (p.Ile787Val)

Gene: FAT2 (FAT atypical cadherin 2; minus strand). Cytogenetic location: 5q33.1.
Variant type: single nucleotide variant.
Coding change: c.2359A>G on transcript NM_001447.3 (MANE Select); coding-DNA position 2359, A replaced by G.
Protein change: p.Ile787Val; replaces isoleucine 787 with valine.
Molecular consequence: missense variant.
Genome position (GRCh38, 1-based): chr5:151,566,573, T>C on the plus strand (A>G on the coding strand, the complement: FAT2 is on the minus strand). VCF-style: chr5-151566573-T-C. GRCh37 (hg19) VCF-style: chr5-150946134-T-C.
Other names: short protein forms I787V.
Identifiers: ClinVar variation 3612479 (VCV003612479.2).
Genomic context (GRCh38, chr5:151,566,573, plus strand): 5'-TCAGCAGCTTCCAGGAGGACTTCTGGGGTGTGCCCAGGTCATATACTGTTACATTGAGGA[T>C]GTAGAAATTGGTGGCTTCATAGTCCAAGGGAGCAGCTACAGTGAGCAGCCCTGTCTCCAG-3'
Protein context (NP_001438.1, residues 777-797): PLDYEATNFY[Ile787Val]LNVTVYDLGT

ClinVar aggregate classification (germline): Uncertain significance (1 of 4 stars; one submission).

gnomAD v4.1: 24 of 1,613,948 alleles (0.0015%); highest among the groups gnomAD compares: South Asian, 0.024%; no homozygotes.

Submission:

Labcorp Genetics (formerly Invitae), Labcorp
Classification: Uncertain significance. Last evaluated: 2024-07-23. Review status: criteria provided, single submitter. Criteria: Invitae Variant Classification Sherloc (09022015). Collection method: clinical testing. Allele origin: germline.
Comment: This sequence change replaces isoleucine, which is neutral and non-polar, with valine, which is neutral and non-polar, at codon 787 of the FAT2 protein (p.Ile787Val). This variant is present in population databases (rs768823935, gnomAD 0.03%). This variant has not been reported in the literature in individuals affected with FAT2-related conditions. Advanced modeling of protein sequence and biophysical properties (such as structural, functional, and spatial information, amino acid conservation, physicochemical variation, residue mobility, and thermodynamic stability) performed at Invitae indicates that this missense variant is not expected to disrupt FAT2 protein function with a negative predictive value of 80%. In summary, the available evidence is currently insufficient to determine the role of this variant in disease. Therefore, it has been classified as a Variant of Uncertain Significance.